The following is an entry in ClinVar:

NM_033004.4(NLRP1):c.4187T>C (p.Val1396Ala)

Gene: NLRP1 (NLR family pyrin domain containing 1; minus strand). Cytogenetic location: 17p13.2.
Variant type: single nucleotide variant.
Coding change: c.4187T>C on transcript NM_033004.4 (MANE Select); coding-DNA position 4187, T replaced by C.
Protein change: p.Val1396Ala; replaces valine 1396 with alanine.
Molecular consequence: missense variant. On other transcripts: intron variant (1).
Genome position (GRCh38, 1-based): chr17:5,514,989, A>G on the plus strand (T>C on the coding strand, the complement: NLRP1 is on the minus strand). VCF-style: chr17-5514989-A-G. GRCh37 (hg19) VCF-style: chr17-5418309-A-G.
Other names: c.4055T>C, p.Val1352Ala (NM_014922.5); c.4097T>C, p.Val1366Ala (NM_033006.4); c.3965T>C, p.Val1322Ala (NM_033007.4); c.4069+2757T>C (NM_001033053.3); short protein forms V1352A, V1322A, V1366A, V1396A.
Identifiers: ClinVar variation 1499554 (VCV001499554.6), dbSNP rs202032721, ClinGen allele CA8326609.

ClinVar aggregate classification (germline): Uncertain significance (1 of 4 stars; one submission).

Allele frequency attached by ClinVar (database versions not stated): ExAC 0.00001; gnomAD exomes 0.00001; gnomAD 0.00002; TOPMed 0.00002; ESP Exome Variant Server 0.00008.
gnomAD v4.1: 24 of 1,613,980 alleles (0.0015%); highest among the groups gnomAD compares: Non-Finnish European, 0.0019%; no homozygotes.

Submission:

Labcorp Genetics (formerly Invitae), Labcorp
Classification: Uncertain significance. Last evaluated: 2024-12-31. Review status: criteria provided, single submitter. Criteria: Invitae Variant Classification Sherloc (09022015). Collection method: clinical testing. Allele origin: germline.
Comment: This sequence change replaces valine, which is neutral and non-polar, with alanine, which is neutral and non-polar, at codon 1396 of the NLRP1 protein (p.Val1396Ala). This variant is present in population databases (rs202032721, gnomAD 0.004%). This variant has not been reported in the literature in individuals affected with NLRP1-related conditions. ClinVar contains an entry for this variant (Variation ID: 1499554). An algorithm developed to predict the effect of missense changes on protein structure and function (PolyPhen-2) suggests that this variant is likely to be disruptive. In summary, the available evidence is currently insufficient to determine the role of this variant in disease. Therefore, it has been classified as a Variant of Uncertain Significance.